The following is an entry in ClinVar:

ClinVar aggregate classification (germline): Likely benign. Review status: criteria provided, multiple submitters, no conflicts (2 of 4 stars). 2 submissions from 2 submitters: Likely benign (2). Last evaluated 2024-09-08.

Conditions:
Propionic acidemia (PROP). Also called: GLYCINEMIA, KETOTIC; HYPERGLYCINEMIA WITH KETOACIDOSIS AND LEUKOPENIA; KETOTIC HYPERGLYCINEMIA. Identifiers: Orphanet 35, MedGen C0268579, MONDO:0011628, OMIM 606054, HP:0003571.

Allele frequency attached by ClinVar (database versions not stated): gnomAD exomes below 0.00001.

Submissions (2):

Labcorp Genetics (formerly Invitae), Labcorp
Classification: Likely benign for Propionic acidemia. Last evaluated: 2024-09-08. Review status: criteria provided, single submitter. Criteria: Invitae Variant Classification Sherloc (09022015). Collection method: clinical testing. Allele origin: germline.

GeneDx
Classification: Likely benign. Last evaluated: 2017-12-05. Review status: criteria provided, single submitter. Criteria: GeneDx Variant Classification (06012015). Collection method: clinical testing. Allele origin: germline. Affected: yes.
Comment: This variant is considered likely benign or benign based on one or more of the following criteria: it is a conservative change, it occurs at a poorly conserved position in the protein, it is predicted to be benign by multiple in silico algorithms, and/or has population frequency not consistent with disease.

NM_000532.5(PCCB):c.885-18C>T

Gene: PCCB (propionyl-CoA carboxylase subunit beta; plus strand). Cytogenetic location: 3q22.3.
Variant type: single nucleotide variant.
Coding change: c.885-18C>T on transcript NM_000532.5 (MANE Select); 18 bases into the intron before coding-DNA position 885, C replaced by T.
Molecular consequence: intron variant.
Genome position (GRCh38, 1-based): chr3:136,301,012, C>T. VCF-style: chr3-136301012-C-T. GRCh37 (hg19) VCF-style: chr3-136019854-C-T.
Other names: c.945-18C>T (NM_001178014.2).
Identifiers: ClinVar variation 513491 (VCV000513491.4), dbSNP rs1482092717, ClinGen allele CA546473155.